The following is an entry in ClinVar:

NM_201384.3(PLEC):c.7726C>T (p.Leu2576=)

Gene: PLEC (plectin; minus strand). Cytogenetic location: 8q24.3.
Variant type: single nucleotide variant.
Coding change: c.7726C>T on transcript NM_201384.3 (MANE Select); coding-DNA position 7726, C replaced by T.
Protein change: p.Leu2576=; no amino-acid change (leucine 2576 retained).
Molecular consequence: synonymous variant.
Genome position (GRCh38, 1-based): chr8:143,922,095, G>A on the plus strand (C>T on the coding strand, the complement: PLEC is on the minus strand). VCF-style: chr8-143922095-G-A. GRCh37 (hg19) VCF-style: chr8-144996263-G-A.
Other names: p.Leu2562=; c.7807C>T, p.Leu2603= (NM_000445.5); c.7684C>T, p.Leu2562= (NM_201378.4); c.7660C>T, p.Leu2554= (NM_201379.3); c.8137C>T, p.Leu2713= (NM_201380.4); c.7630C>T, p.Leu2544= (NM_201381.3); c.7726C>T, p.Leu2576= (NM_201382.4); c.7738C>T, p.Leu2580= (NM_201383.3).
Identifiers: ClinVar variation 129955 (VCV000129955.24), dbSNP rs11988293, ClinGen allele CA154609.
Genomic context (GRCh38, chr8:143,922,095, plus strand): 5'-CACGCAGCCTCTGGTTCTCCTCAGCCAGCAGCTCCTCCTGCTGCCGCCGCTGCTGCTCCA[G>A]CTGCTGCAGCTCCTCCTGCTTGCGCCGCACGCCCTCCTCGGCCTCATGCTGCCGCCGCCG-3'
Protein context (NP_958786.1, residues 2566-2586): VRRKQEELQQ[Leu2576=]EQQRRQQEEL

ClinVar aggregate classification (germline): Benign. Review status: criteria provided, multiple submitters, no conflicts (2 of 4 stars). 7 submissions from 7 submitters: Benign (6). 1 of the submissions does not count toward it. Last evaluated 2026-02-02.

Conditions:
Epidermolysis bullosa simplex 5C, with pyloric atresia (EBS5C). Also called: PLEC-Related Epidermolysis Bullosa with Pyloric Atresia; Epidermolysis bullosa simplex with pyloric atresia; PLEC1-Related Epidermolysis Bullosa with Pyloric Atresia. Identifiers: Orphanet 158684, MedGen C2677349, MONDO:0012807, OMIM 612138.
Autosomal recessive limb-girdle muscular dystrophy type 2Q (LGMDR17). Also called: MUSCULAR DYSTROPHY, LIMB-GIRDLE, AUTOSOMAL RECESSIVE 17. Identifiers: Orphanet 254361, MedGen C3150989, MONDO:0013390, OMIM 613723.
Epidermolysis bullosa simplex with nail dystrophy (EBS5D). Identifiers: MedGen C4225309, MONDO:0014661, OMIM 616487.
Epidermolysis bullosa simplex 5B, with muscular dystrophy (EBS5B). Also called: Epidermolysis bullosa simplex with muscular dystrophy; EPIDERMOLYSIS BULLOSA SIMPLEX AND LIMB-GIRDLE MUSCULAR DYSTROPHY. Identifiers: Orphanet 257, MedGen C2931072, MONDO:0009181, OMIM 226670.
Epidermolysis bullosa simplex, Ogna type (EBS5A). Also called: Pidermolysis bullosa simplex 5A, Ogna type; EPIDERMOLYSIS BULLOSA SIMPLEX 5A, OGNA TYPE. Identifiers: Orphanet 79401, MedGen C0432317, MONDO:0007555, OMIM 131950.

Allele frequency attached by ClinVar (database versions not stated): gnomAD exomes 0.01322; 1000 Genomes Project 0.05351; gnomAD 0.05390 and 0.05812; ESP Exome Variant Server 0.05646; 1000 Genomes Project 30x 0.05715; TOPMed 0.06134.
gnomAD v4.1: 15,899 of 1,564,176 alleles (1%); highest among the groups gnomAD compares: African/African-American, 19%; 1,400 homozygotes.

Submissions (7):

Labcorp Genetics (formerly Invitae), Labcorp
Classification: Benign for Autosomal recessive limb-girdle muscular dystrophy type 2Q; Epidermolysis bullosa simplex, Ogna type; Epidermolysis bullosa simplex with nail dystrophy; Epidermolysis bullosa simplex 5C, with pyloric atresia; Epidermolysis bullosa simplex 5B, with muscular dystrophy. Last evaluated: 2026-02-02. Review status: criteria provided, single submitter. Criteria: Invitae Variant Classification Sherloc (09022015). Collection method: clinical testing. Allele origin: germline.

Mayo Clinic Laboratories, Mayo Clinic
Classification: Benign. Last evaluated: 2018-07-12. Review status: criteria provided, single submitter. Criteria: ACMG Guidelines, 2015. Collection method: clinical testing. Allele origin: germline. Observed: 45 variant alleles.

GeneDx
Classification: Benign. Last evaluated: 2016-03-25. Review status: criteria provided, single submitter. Criteria: GeneDx Variant Classification (06012015). Collection method: clinical testing. Allele origin: germline. Affected: yes.
Comment: This variant is considered likely benign or benign based on one or more of the following criteria: it is a conservative change, it occurs at a poorly conserved position in the protein, it is predicted to be benign by multiple in silico algorithms, and/or has population frequency not consistent with disease.

Eurofins Ntd Llc (ga)
Classification: Benign. Last evaluated: 2015-07-12. Review status: criteria provided, single submitter. Criteria: EGL Classification Definitions 2015. Collection method: clinical testing. Allele origin: germline. Observed: 2 variant alleles, 2 heterozygotes.

Laboratory for Molecular Medicine, Mass General Brigham Personalized Medicine
Classification: Benign. Last evaluated: 2015-01-13. Review status: criteria provided, single submitter. Criteria: LMM Criteria. Collection method: clinical testing. Allele origin: germline. Observed: 1 variant allele.
Comment: p.Leu2713Leu in exon 32 of PLEC: This variant is not expected to have clinical s ignificance because it does not alter an amino acid residue and is not located w ithin the splice consensus sequence. It has been identified in 16.5% (677/4106) of African American chromosomes from a broad population by the NHLBI Exome Seque ncing Project (dbSNP rs11988293).

Breakthrough Genomics
Classification: Benign. Review status: criteria provided, single submitter. Criteria: ACMG Guidelines, 2015. Collection method: not provided. Allele origin: germline. Inheritance: Autosomal recessive inheritance. Affected: yes.

Genetic Services Laboratory, University of Chicago
Classification: Likely benign for AllHighlyPenetrant. Review status: no assertion criteria provided. Collection method: clinical testing. Allele origin: germline. Inheritance: Autosomal recessive inheritance. Not counted in ClinVar's aggregate classification.
Comment: Likely benign based on allele frequency in 1000 Genomes Project or ESP global frequency and its presence in a patient with a rare or unrelated disease phenotype. NOT Sanger confirmed.